The following is an entry in ClinVar:

ClinVar aggregate classification (germline): Benign/Likely benign. Review status: criteria provided, multiple submitters, no conflicts (2 of 4 stars). 11 submissions from 11 submitters: Benign (6); Likely benign (5). Last evaluated 2026-08-01.

Conditions:
Familial sleep-related hypermotor epilepsy. Also called: Autosomal Dominant Sleep-Related Hypermotor (Hyperkinetic) Epilepsy. Identifiers: Orphanet 98784, MedGen C3696898, MONDO:0000030.
Inborn genetic diseases. Identifiers: MedGen C0950123, MeSH D030342.
Autosomal dominant nocturnal frontal lobe epilepsy 1. Also called: EPILEPSY, NOCTURNAL FRONTAL LOBE, TYPE 1; CHRNA4-Related Nocturnal Frontal Lobe Epilepsy, Autosomal Dominant. Identifiers: Orphanet 98784, MedGen C1838049, MONDO:0010899, OMIM 600513.
Tobacco addiction, susceptibility to. Also called: CIGARETTE HABITUATION, SUSCEPTIBILITY TO. Identifiers: MedGen C1861063, MONDO:0100460, OMIM 188890.

Allele frequency attached by ClinVar (database versions not stated): 1000 Genomes Project 0.00140; 1000 Genomes Project 30x 0.00187; TOPMed 0.00253; gnomAD 0.00257 and 0.00264; gnomAD exomes 0.00417; ExAC 0.00878.
gnomAD v4.1: 5,287 of 1,479,910 alleles (0.36%); highest among the groups gnomAD compares: South Asian, 0.65%; 13 homozygotes.

Submissions (11):

CeGaT Center for Human Genetics Tuebingen
Classification: Likely benign. Last evaluated: 2026-08-01. Review status: criteria provided, single submitter. Criteria: CeGaT Center For Human Genetics Tuebingen Variant Classification Criteria Version 2. Collection method: clinical testing. Allele origin: germline. Affected: yes. Observed: 37 variant alleles.
Comment: CHRNA4: BP4, BP7

Labcorp Genetics (formerly Invitae), Labcorp
Classification: Benign. Last evaluated: 2026-02-02. Review status: criteria provided, single submitter. Criteria: Invitae Variant Classification Sherloc (09022015). Collection method: clinical testing. Allele origin: germline.

Blueprint Genetics
Classification: Likely benign. Last evaluated: 2024-11-26. Review status: criteria provided, single submitter. Criteria: ACMG Guidelines, 2015. Collection method: clinical testing. Allele origin: germline.

ARUP Laboratories, Molecular Genetics and Genomics, ARUP Laboratories
Classification: Benign. Last evaluated: 2023-10-17. Review status: criteria provided, single submitter. Criteria: ARUP Molecular Germline Variant Investigation Process 2024. Collection method: clinical testing. Allele origin: germline.

Fulgent Genetics
Classification: Likely benign for Tobacco addiction, susceptibility to; Autosomal dominant nocturnal frontal lobe epilepsy 1. Last evaluated: 2022-03-30. Review status: criteria provided, single submitter. Criteria: ACMG Guidelines, 2015. Collection method: clinical testing. Allele origin: unknown.

Athena Diagnostics
Classification: Benign. Last evaluated: 2021-03-15. Review status: criteria provided, single submitter. Criteria: Athena Diagnostics criteria. Collection method: clinical testing. Allele origin: unknown.

Ambry Genetics
Classification: Likely benign for Inborn genetic diseases. Last evaluated: 2016-05-26. Review status: criteria provided, single submitter. Criteria: Ambry Variant Classification Scheme 2023. Collection method: clinical testing. Allele origin: germline.

Eurofins Ntd Llc (ga)
Classification: Benign. Last evaluated: 2015-02-14. Review status: criteria provided, single submitter. Criteria: EGL Classification Definitions 2015. Collection method: clinical testing. Allele origin: germline. Observed: 4 variant alleles, 4 heterozygotes.

GeneDx
Classification: Benign. Last evaluated: 2013-09-19. Review status: criteria provided, single submitter. Criteria: GeneDx Variant Classification (06012015). Collection method: clinical testing. Allele origin: germline. Affected: yes.
Comment: This variant is considered likely benign or benign based on one or more of the following criteria: it is a conservative change, it occurs at a poorly conserved position in the protein, it is predicted to be benign by multiple in silico algorithms, and/or has population frequency not consistent with disease.

Breakthrough Genomics
Classification: Likely benign. Review status: criteria provided, single submitter. Criteria: ACMG Guidelines, 2015. Collection method: not provided. Allele origin: germline. Inheritance: Autosomal dominant inheritance. Affected: yes.

PreventionGenetics, part of Exact Sciences
Classification: Benign. Review status: criteria provided, single submitter. Criteria: ACMG Guidelines, 2015. Collection method: clinical testing. Allele origin: germline.

NM_000744.7(CHRNA4):c.9A>G (p.Leu3=)

Genes: CHRNA4 (cholinergic receptor nicotinic alpha 4 subunit; minus strand), LOC100130587 (uncharacterized LOC100130587; plus strand). Cytogenetic location: 20q13.33.
Variant type: single nucleotide variant.
Coding change: c.9A>G on transcript NM_000744.7 (MANE Select); coding-DNA position 9, A replaced by G.
Protein change: p.Leu3=; no amino-acid change (leucine 3 retained).
Molecular consequence: synonymous variant. On other transcripts: non-coding transcript variant (1), intron variant (1).
Genome position (GRCh38, 1-based): chr20:63,361,157, T>C on the plus strand (A>G on the coding strand, the complement: CHRNA4 is on the minus strand). VCF-style: chr20-63361157-T-C. GRCh37 (hg19) VCF-style: chr20-61992509-T-C.
Other names: p.L3L:CTA>CTG; c.-471+20A>G (NM_001256573.2).
Identifiers: ClinVar variation 136767 (VCV000136767.53), dbSNP rs80075498, ClinGen allele CA302667.
Genomic context (GRCh38, chr20:63,361,157, plus strand): 5'-GAGGCCGGTCCCCAGAAGCAGCAGCAGCGGCGGCAGCAGCCGCGGCGCTCCGGGGCCCCC[T>C]AGCTCCATGGCGCACGCACCTCGCGGGCTCTAGATGCGGGCGGCTCCCGGCTCCCCGCCG-3'
Protein context (NP_000735.1, residues 1-13): ME[Leu3=]GGPGAPRLLP